The following is an entry in ClinVar:

NM_152296.5(ATP1A3):c.2688+11C>A

Gene: ATP1A3 (ATPase Na+/K+ transporting subunit alpha 3; minus strand). Cytogenetic location: 19q13.2.
Variant type: single nucleotide variant.
Coding change: c.2688+11C>A on transcript NM_152296.5 (MANE Select); 11 bases into the intron after coding-DNA position 2688, C replaced by A.
Molecular consequence: intron variant.
Genome position (GRCh38, 1-based): chr19:41,969,424, G>T on the plus strand (C>A on the coding strand, the complement: ATP1A3 is on the minus strand). VCF-style: chr19-41969424-G-T. GRCh37 (hg19) VCF-style: chr19-42473576-G-T.
Other names: c.2727+11C>A (NM_001256214.2); c.2721+11C>A (NM_001256213.2).
Identifiers: ClinVar variation 329402 (VCV000329402.13), dbSNP rs782430886, ClinGen allele CA9467327.

ClinVar aggregate classification (germline): Likely benign. Review status: criteria provided, multiple submitters, no conflicts (2 of 4 stars). 5 submissions from 4 submitters: Likely benign (5). Last evaluated 2026-01-12.

Conditions:
Alternating hemiplegia of childhood 2 (AHC2). Also called: Alternating Hemiplegia of Childhood (AHC). Identifiers: Orphanet 2131, MedGen C3553788, MONDO:0013900, OMIM 614820.
Dystonia 12 (DYT12). Also called: Rapid-Onset Dystonia-Parkinsonism (RDP); DYT-ATP1A3. Identifiers: Orphanet 71517, MedGen C1868681, MONDO:0007496, OMIM 128235.

Allele frequency attached by ClinVar (database versions not stated): gnomAD 0.00001; TOPMed 0.00001; ExAC 0.00002; gnomAD exomes 0.00002.
gnomAD v4.1: 25 of 1,614,040 alleles (0.0015%); highest among the groups gnomAD compares: Non-Finnish European, 0.0019%; no homozygotes.

Submissions (5):

Labcorp Genetics (formerly Invitae), Labcorp
Classification: Likely benign for Dystonia 12. Last evaluated: 2026-01-12. Review status: criteria provided, single submitter. Criteria: Invitae Variant Classification Sherloc (09022015). Collection method: clinical testing. Allele origin: germline.

Women's Health and Genetics/Laboratory Corporation of America, LabCorp
Classification: Likely benign. Last evaluated: 2024-11-13. Review status: criteria provided, single submitter. Criteria: LabCorp Variant Classification Summary - May 2015. Collection method: clinical testing. Allele origin: germline.

Blueprint Genetics
Classification: Likely benign. Last evaluated: 2023-10-10. Review status: criteria provided, single submitter. Criteria: ACMG Guidelines, 2015. Collection method: clinical testing. Allele origin: germline.

Illumina Laboratory Services, Illumina
Classification: Likely benign for Alternating hemiplegia of childhood 2. Last evaluated: 2018-01-13. Review status: criteria provided, single submitter. Criteria: ICSL Variant Classification Criteria 13 December 2019. Collection method: clinical testing. Allele origin: germline.
Comment: This variant was observed in the ICSL laboratory as part of a predisposition screen in an ostensibly healthy population. It had not been previously curated by ICSL or reported in the Human Gene Mutation Database (HGMD: prior to June 1st, 2018), and was therefore a candidate for classification through an automated scoring system. Utilizing variant allele frequency, disease prevalence and penetrance estimates, and inheritance mode, an automated score was calculated to assess if this variant is too frequent to cause the disease. Based on the score and internal cut-off values, a variant classified as likely benign is not then subjected to further curation. The score for this variant resulted in a classification of likely benign for this disease.

Illumina Laboratory Services, Illumina
Classification: Likely benign for Dystonia 12. Last evaluated: 2018-01-13. Review status: criteria provided, single submitter. Criteria: ICSL Variant Classification Criteria 13 December 2019. Collection method: clinical testing. Allele origin: germline.
Comment: the same text as in the submission from Illumina Laboratory Services, Illumina above.